The following is an entry in ClinVar:

ClinVar aggregate classification (germline): Likely benign (1 of 4 stars; one submission).

Allele frequency attached by ClinVar (database versions not stated): gnomAD 0.00001; gnomAD exomes 0.00001.
gnomAD v4.1: 5 of 1,614,056 alleles (0.00031%); highest among the groups gnomAD compares: Non-Finnish European, 0.00042%; no homozygotes.

Submission:

Laboratory for Molecular Medicine, Mass General Brigham Personalized Medicine
Classification: Likely benign. Last evaluated: 2016-06-09. Review status: criteria provided, single submitter. Criteria: LMM Criteria. Collection method: clinical testing. Allele origin: germline. Observed: 1 variant allele.
Comment: p.Asp20Asp in exon 2 of MARVELD2: This variant is not expected to have a clinica l significance because it does not alter an amino acid residue and is not locate d within the splice consensus sequence.

NM_001038603.3(MARVELD2):c.60C>T (p.Asp20=)

Gene: MARVELD2 (MARVEL domain containing 2; plus strand). Cytogenetic location: 5q13.2.
Variant type: single nucleotide variant.
Coding change: c.60C>T on transcript NM_001038603.3 (MANE Select); coding-DNA position 60, C replaced by T.
Protein change: p.Asp20=; no amino-acid change (aspartic acid 20 retained).
Molecular consequence: synonymous variant.
Genome position (GRCh38, 1-based): chr5:69,419,445, C>T. VCF-style: chr5-69419445-C-T. GRCh37 (hg19) VCF-style: chr5-68715272-C-T.
Other names: c.60C>T, p.Asp20= (NM_001244734.2).
Identifiers: ClinVar variation 505090 (VCV000505090.4), dbSNP rs1264640823, ClinGen allele CA445082931.